The following is an entry in ClinVar:

ClinVar aggregate classification (germline): Uncertain significance (1 of 4 stars; one submission).

Submission:

ISCA site 15
Classification: Uncertain significance. Last evaluated: 2011-08-12. Review status: criteria provided, single submitter. Criteria: Kaminsky et al. (Genet Med. 2011). Collection method: clinical testing. Allele origin: unknown. Affected: yes. Observed: 1 variant allele.
Comment: Copy number variation identified through the course of routine clinical cytogenomic testing in postnatal populations. Clinical assertions have been curated as described in Kaminsky et al. 2011.

GRCh38/hg38 Xp22.31(chrX:6539362-6739769)x2

Genes: PUDP (pseudouridine 5'-phosphatase; minus strand), LOC130067908 (ATAC-STARR-seq lymphoblastoid active region 29381; plus strand). Cytogenetic location: Xp22.31.
Variant type: copy number gain.
Change: copy number 2 of chrX:6,539,362-6,739,769 (200.4 kb, GRCh38 coordinates, 1-based), cytogenetic band Xp22.31.
Identifiers: ClinVar variation 58560 (VCV000058560.1).